The following is an entry in ClinVar:

ClinVar aggregate classification (germline): Uncertain significance (1 of 4 stars; one submission).

Submission:

Mayo Clinic Laboratories, Mayo Clinic
Classification: Uncertain significance. Last evaluated: 2024-07-12. Review status: criteria provided, single submitter. Criteria: ACMG Guidelines, 2015. Collection method: clinical testing. Allele origin: germline. Observed: 1 variant allele.
Comment: PP3, PM2

NM_004972.4(JAK2):c.2033A>C (p.Asn678Thr)

Genes: INSL6 (insulin like 6; minus strand), JAK2 (Janus kinase 2; plus strand). Cytogenetic location: 9p24.1.
Variant type: single nucleotide variant.
Coding change: c.2033A>C on transcript NM_004972.4 (MANE Select); coding-DNA position 2033, A replaced by C.
Protein change: p.Asn678Thr; replaces asparagine 678 with threonine.
Molecular consequence: missense variant. On other transcripts: non-coding transcript variant (2).
Genome position (GRCh38, 1-based): chr9:5,078,346, A>C. VCF-style: chr9-5078346-A-C. GRCh37 (hg19) VCF-style: chr9-5078346-A-C.
Other names: p.Asn678Thr; c.2033A>C, p.Asn678Thr (NM_001322194.2, NM_001322195.2, NM_001322196.2); c.818A>C, p.Asn273Thr (NM_001322198.2, NM_001322199.2); c.1586A>C, p.Asn529Thr (NM_001322204.2); short protein forms N273T, N529T, N678T.
Identifiers: ClinVar variation 3379844 (VCV003379844.1).